The following is an entry in ClinVar:

ClinVar aggregate classification (germline): Uncertain significance (1 of 4 stars; one submission).

Conditions:
Long QT syndrome (LQTS). Identifiers: MedGen C0023976, MeSH D008133, MONDO:0002442. Disease mechanism: loss of function. Inheritance: Various modes of inheritance.

gnomAD v4.1: 1 of 1,447,448 alleles (0.000069%); no homozygotes.

Submission:

Labcorp Genetics (formerly Invitae), Labcorp
Classification: Uncertain significance for Long QT syndrome. Last evaluated: 2020-02-06. Review status: criteria provided, single submitter. Criteria: Invitae Variant Classification Sherloc (09022015). Collection method: clinical testing. Allele origin: germline.
Comment: In summary, the available evidence is currently insufficient to determine the role of this variant in disease. Therefore, it has been classified as a Variant of Uncertain Significance. This sequence change replaces glycine with aspartic acid at codon 236 of the KCNH2 protein (p.Gly236Asp). The glycine residue is weakly conserved and there is a moderate physicochemical difference between glycine and aspartic acid. The frequency data for this variant in the population databases is considered unreliable, as metrics indicate insufficient coverage at this position in the ExAC database. This variant has not been reported in the literature in individuals with KCNH2-related conditions. Algorithms developed to predict the effect of missense changes on protein structure and function (SIFT, PolyPhen-2, Align-GVGD) all suggest that this variant is likely to be tolerated, but these predictions have not been confirmed by published functional studies and their clinical significance is uncertain.

NM_000238.4(KCNH2):c.707G>A (p.Gly236Asp)

Gene: KCNH2 (potassium voltage-gated channel subfamily H member 2; minus strand). Cytogenetic location: 7q36.1.
Variant type: single nucleotide variant.
Coding change: c.707G>A on transcript NM_000238.4 (MANE Select); coding-DNA position 707, G replaced by A.
Protein change: p.Gly236Asp; replaces glycine 236 with aspartic acid.
Molecular consequence: missense variant.
Genome position (GRCh38, 1-based): chr7:150,958,268, C>T on the plus strand (G>A on the coding strand, the complement: KCNH2 is on the minus strand). VCF-style: chr7-150958268-C-T. GRCh37 (hg19) VCF-style: chr7-150655356-C-T.
Other names: c.419G>A, p.Gly140Asp (NM_001406753.1, NM_001406756.1); c.530G>A, p.Gly177Asp (NM_001406755.1); c.407G>A, p.Gly136Asp (NM_001406757.1); c.707G>A, p.Gly236Asp (NM_172056.3); short protein forms G236D, G136D, G177D, G140D.
Identifiers: ClinVar variation 952259 (VCV000952259.10), dbSNP rs199472870, ClinGen allele CA369862763.
Genomic context (GRCh38, chr7:150,958,268, plus strand): 5'-AGGCTGTGCGCCCGGGGCGATGGGAGCTGGCCGGGCGCGCTGCGGGGCGGAGAGCCGGGA[C>T]CCACCAGCGCACGCCGCTCCTCCGCGGGCCCGAGCCCTGCCACGTGGTTGTCCATGGCTG-3'
Protein context (NP_000229.1, residues 226-246): GPAEERRALV[Gly236Asp]PGSPPRSAPG